The following is an entry in ClinVar:

NM_206933.4(USH2A):c.11980A>C (p.Ile3994Leu)

Gene: USH2A (usherin; minus strand). Cytogenetic location: 1q41.
Variant type: single nucleotide variant.
Coding change: c.11980A>C on transcript NM_206933.4 (MANE Select); coding-DNA position 11980, A replaced by C.
Protein change: p.Ile3994Leu; replaces isoleucine 3994 with leucine.
Molecular consequence: missense variant.
Genome position (GRCh38, 1-based): chr1:215,728,116, T>G on the plus strand (A>C on the coding strand, the complement: USH2A is on the minus strand). VCF-style: chr1-215728116-T-G. GRCh37 (hg19) VCF-style: chr1-215901458-T-G.
Other names: short protein forms I3994L.
Identifiers: ClinVar variation 4777952 (VCV004777952.1).

ClinVar aggregate classification (germline): Uncertain significance (1 of 4 stars; one submission).

Submission:

Labcorp Genetics (formerly Invitae), Labcorp
Classification: Uncertain significance. Last evaluated: 2025-09-02. Review status: criteria provided, single submitter. Criteria: Invitae Variant Classification Sherloc (09022015). Collection method: clinical testing. Allele origin: germline.
Comment: This sequence change replaces isoleucine, which is neutral and non-polar, with leucine, which is neutral and non-polar, at codon 3994 of the USH2A protein (p.Ile3994Leu). This variant is not present in population databases (gnomAD no frequency). This variant has not been reported in the literature in individuals affected with USH2A-related conditions. Invitae Evidence Modeling of protein sequence and biophysical properties (such as structural, functional, and spatial information, amino acid conservation, physicochemical variation, residue mobility, and thermodynamic stability) indicates that this missense variant is not expected to disrupt USH2A protein function with a negative predictive value of 95%. In summary, the available evidence is currently insufficient to determine the role of this variant in disease. Therefore, it has been classified as a Variant of Uncertain Significance.